The following is an entry in ClinVar:

NM_013246.3(CLCF1):c.183+14G>A

Genes: CLCF1 (cardiotrophin like cytokine factor 1; minus strand), LOC100130987 (uncharacterized LOC100130987; plus strand). Cytogenetic location: 11q13.2.
Variant type: single nucleotide variant.
Coding change: c.183+14G>A on transcript NM_013246.3 (MANE Select); 14 bases into the intron after coding-DNA position 183, G replaced by A.
Molecular consequence: intron variant.
Genome position (GRCh38, 1-based): chr11:67,367,446, C>T on the plus strand (G>A on the coding strand, the complement: CLCF1 is on the minus strand). VCF-style: chr11-67367446-C-T. GRCh37 (hg19) VCF-style: chr11-67134917-C-T.
Other names: c.153+14G>A (NM_001166212.2).
Identifiers: ClinVar variation 4779206 (VCV004779206.2).

ClinVar aggregate classification (germline): Benign. Review status: criteria provided, multiple submitters, no conflicts (2 of 4 stars). 2 submissions from 2 submitters: Benign (2). Last evaluated 2026-03-04.

gnomAD v4.1: 146 of 1,614,082 alleles (0.009%); highest among the groups gnomAD compares: Admixed American, 0.19%; 2 homozygotes.

Submissions (2):

Women's Health and Genetics/Laboratory Corporation of America, LabCorp
Classification: Benign. Last evaluated: 2026-03-04. Review status: criteria provided, single submitter. Criteria: LabCorp Variant Classification Summary - May 2015. Collection method: clinical testing. Allele origin: germline.
Comment: Variant summary: CLCF1 c.183+14G>A alters a non-conserved nucleotide located at a position not widely known to affect splicing. Consensus agreement among computation tools predict no significant impact on normal splicing. However, these predictions have yet to be confirmed by functional studies. The variant allele was found at a frequency of 0.00037 in 250810 control chromosomes, predominantly at a frequency of 0.0025 within the Latino subpopulation in the gnomAD database. The observed variant frequency within Latino control individuals in the gnomAD database exceeds the estimated maximal expected allele frequency for disease-causing variants in CLCF1. To our knowledge, no occurrence of c.183+14G>A in individuals affected with CLCF1-related conditions and no experimental evidence demonstrating its impact on protein function have been reported. ClinVar contains an entry for this variant (Variation ID: 4779206). Based on the evidence outlined above, the variant was classified as benign.

Labcorp Genetics (formerly Invitae), Labcorp
Classification: Benign. Last evaluated: 2026-01-13. Review status: criteria provided, single submitter. Criteria: Invitae Variant Classification Sherloc (09022015). Collection method: clinical testing. Allele origin: germline.